The following is an entry in ClinVar:

ClinVar aggregate classification (germline): Uncertain significance. Review status: criteria provided, multiple submitters, no conflicts (2 of 4 stars). 2 submissions from 2 submitters: Uncertain significance (2). Last evaluated 2025-11-26.

Conditions:
Hereditary cancer-predisposing syndrome. Also called: Tumor predisposition; Neoplastic Syndromes, Hereditary; Hereditary Cancer Syndrome; Hereditary neoplastic syndrome. Identifiers: Orphanet 140162, MedGen C0027672, MeSH D009386, MONDO:0015356.
Ataxia-telangiectasia syndrome (AT). Also called: ATAXIA-TELANGIECTASIA, COMPLEMENTATION GROUP A; ATAXIA-TELANGIECTASIA, FRESNO VARIANT; Ataxia-telangiectasia; Ataxia-telangiectasia, complementation group D; AT, COMPLEMENTATION GROUP C; Ataxia-telangiectasia, complementation group E. Identifiers: Orphanet 100, MedGen C0004135, MONDO:0008840, OMIM 208900.

Allele frequency attached by ClinVar (database versions not stated): gnomAD exomes below 0.00001; gnomAD 0.00001.
gnomAD v4.1: 2 of 1,613,900 alleles (0.00012%); highest among the groups gnomAD compares: East Asian, 0.0022%; no homozygotes.

Submissions (2):

Labcorp Genetics (formerly Invitae), Labcorp
Classification: Uncertain significance for Ataxia-telangiectasia syndrome. Last evaluated: 2025-11-26. Review status: criteria provided, single submitter. Criteria: Invitae Variant Classification Sherloc (09022015). Collection method: clinical testing. Allele origin: germline.
Comment: This sequence change replaces threonine, which is neutral and polar, with alanine, which is neutral and non-polar, at codon 2773 of the ATM protein (p.Thr2773Ala). This variant is not present in population databases (gnomAD no frequency). This variant has not been reported in the literature in individuals affected with ATM-related conditions. ClinVar contains an entry for this variant (Variation ID: 839481). Invitae Evidence Modeling of protein sequence and biophysical properties (such as structural, functional, and spatial information, amino acid conservation, physicochemical variation, residue mobility, and thermodynamic stability) indicates that this missense variant is expected to disrupt ATM protein function with a positive predictive value of 95%. In summary, the available evidence is currently insufficient to determine the role of this variant in disease. Therefore, it has been classified as a Variant of Uncertain Significance.

Ambry Genetics
Classification: Uncertain significance for Hereditary cancer-predisposing syndrome. Last evaluated: 2025-08-29. Review status: criteria provided, single submitter. Criteria: Ambry Variant Classification Scheme 2023. Collection method: clinical testing. Allele origin: germline.
Comment: The p.T2773A variant (also known as c.8317A>G), located in coding exon 56 of the ATM gene, results from an A to G substitution at nucleotide position 8317. The threonine at codon 2773 is replaced by alanine, an amino acid with similar properties. This alteration was observed with a carrier frequency of 0.0000 in 53 unselected men with breast cancer and 0.0001 in 12490 male controls of Japanese ancestry (Momozawa Y et al. Nat Commun, 2018 10;9:4083). This amino acid position is highly conserved in available vertebrate species. In addition, this alteration is predicted to be deleterious by in silico analysis. Since supporting evidence is limited at this time, the clinical significance of this alteration remains unclear.

Literature cited by the submitters: PubMed 30287823 (cited by Ambry Genetics).

NM_000051.4(ATM):c.8317A>G (p.Thr2773Ala)

Genes: ATM (ATM serine/threonine kinase; plus strand), C11orf65 (chromosome 11 open reading frame 65; minus strand). Cytogenetic location: 11q22.3.
Variant type: single nucleotide variant.
Coding change: c.8317A>G on transcript NM_000051.4 (MANE Select); coding-DNA position 8317, A replaced by G.
Protein change: p.Thr2773Ala; replaces threonine 2773 with alanine.
Molecular consequence: missense variant. On other transcripts: intron variant (2).
Genome position (GRCh38, 1-based): chr11:108,343,270, A>G. VCF-style: chr11-108343270-A-G. GRCh37 (hg19) VCF-style: chr11-108213997-A-G.
Other names: c.8317A>G, p.Thr2773Ala (NM_001351834.2); c.641-34199T>C (NM_001330368.2); c.695-7978T>C (NM_001351110.2); short protein forms T2773A.
Identifiers: ClinVar variation 839481 (VCV000839481.14), dbSNP rs2087819658, ClinGen allele CA382516374.
Genomic context (GRCh38, chr11:108,343,270, plus strand): 5'-CTGTAACTCCAGGTGGTTCCCCTCTCTCAGCGAAGTGGTGTTCTTGAATGGTGCACAGGA[A>G]CTGTCCCCATTGGTGAATTTCTTGTTAACAATGAAGATGGTGCTCATAAAAGATACAGGC-3'
Protein context (NP_000042.3, residues 2763-2783): RSGVLEWCTG[Thr2773Ala]VPIGEFLVNN